The following is an entry in ClinVar:

ClinVar aggregate classification (germline): Uncertain significance (1 of 4 stars; one submission).

Conditions:
Intellectual developmental disorder, autosomal dominant 1. Also called: Intellectual disability, autosomal dominant 1; MBD5 Haploinsufficiency. Identifiers: Orphanet 228402, MedGen C1969562, MONDO:0007974, OMIM 156200.

Submission:

Labcorp Genetics (formerly Invitae), Labcorp
Classification: Uncertain significance for Intellectual developmental disorder, autosomal dominant 1. Last evaluated: 2024-02-23. Review status: criteria provided, single submitter. Criteria: Invitae Variant Classification Sherloc (09022015). Collection method: clinical testing. Allele origin: germline.
Comment: This sequence change replaces leucine, which is neutral and non-polar, with proline, which is neutral and non-polar, at codon 1038 of the MBD5 protein (p.Leu1038Pro). This variant is not present in population databases (gnomAD no frequency). This variant has not been reported in the literature in individuals affected with MBD5-related conditions. ClinVar contains an entry for this variant (Variation ID: 1357977). Advanced modeling of protein sequence and biophysical properties (such as structural, functional, and spatial information, amino acid conservation, physicochemical variation, residue mobility, and thermodynamic stability) performed at Invitae indicates that this missense variant is not expected to disrupt MBD5 protein function with a negative predictive value of 80%. In summary, the available evidence is currently insufficient to determine the role of this variant in disease. Therefore, it has been classified as a Variant of Uncertain Significance.

NM_001378120.1(MBD5):c.3812T>C (p.Leu1271Pro)

Gene: MBD5 (methyl-CpG binding domain protein 5; plus strand). Cytogenetic location: 2q23.1.
Variant type: single nucleotide variant.
Coding change: c.3812T>C on transcript NM_001378120.1 (MANE Select); coding-DNA position 3812, T replaced by C.
Protein change: p.Leu1271Pro; replaces leucine 1271 with proline.
Molecular consequence: missense variant.
Genome position (GRCh38, 1-based): chr2:148,489,444, T>C. VCF-style: chr2-148489444-T-C. GRCh37 (hg19) VCF-style: chr2-149247013-T-C.
Other names: c.3113T>C, p.Leu1038Pro (NM_018328.5); short protein forms L1038P, L1271P.
Identifiers: ClinVar variation 1357977 (VCV001357977.8), dbSNP rs963277503, ClinGen allele CA348725078.